The following is an entry in ClinVar:

NM_000277.3(PAH):c.285C>T (p.Ile95=)

Gene: PAH (phenylalanine hydroxylase; minus strand). Cytogenetic location: 12q23.2.
Variant type: single nucleotide variant.
Coding change: c.285C>T on transcript NM_000277.3 (MANE Select); coding-DNA position 285, C replaced by T.
Protein change: p.Ile95=; no amino-acid change (isoleucine 95 retained).
Molecular consequence: synonymous variant.
Genome position (GRCh38, 1-based): chr12:102,894,802, G>A on the plus strand (C>T on the coding strand, the complement: PAH is on the minus strand). VCF-style: chr12-102894802-G-A. GRCh37 (hg19) VCF-style: chr12-103288580-G-A.
Other names: c.285C>T, p.Ile95= (NM_001354304.2).
Identifiers: ClinVar variation 987765 (VCV000987765.9), dbSNP rs1877427309, ClinGen allele CA481333203.

ClinVar aggregate classification (germline): Uncertain significance. Review status: reviewed by expert panel (3 of 4 stars). 2 submissions from 2 submitters: Uncertain significance (1). 1 of the submissions does not count toward it. Last evaluated 2020-10-16.

Conditions:
Phenylketonuria (PKU). Also called: OLIGOPHRENIA PHENYLPYRUVICA; Phenylketonuria (PKU); Phenylketonurias; FOLLING DISEASE. Identifiers: Orphanet 716, MedGen C0031485, MONDO:0009861, OMIM 261600. Disease mechanism: loss of function.

Submissions (2):

ClinGen PAH Variant Curation Expert Panel
Classification: Uncertain significance for Phenylketonuria. Last evaluated: 2020-10-16. Review status: reviewed by expert panel. Criteria: ClinGen PAH ACMG Specifications v1. Collection method: curation. Allele origin: germline. Inheritance: Autosomal recessive inheritance.
Comment: This c.285C>T (p.Ile95Ile) variant in PAH was reported in one patient with classic PKU, detected with pathogenic variant p.Y204C (phase unknown). BH4 cofactor deficiency was ruled out through unknown methods (PMID: 30459323). This variant is absent from controls in population databases. Computational prediction algorithms predict that this synonymous variant does not impact the splice consensus sequence nor does it create a new splice site. In summary, this variant meets criteria to be classified as Uncertain Significance for PAH. PAH-specific ACMG/AMP criteria applied: PM2, PM3_supporting, PP4, and BP7.

Labcorp Genetics (formerly Invitae), Labcorp
Classification: Likely benign for Phenylketonuria. Last evaluated: 2023-12-17. Review status: criteria provided, single submitter. Criteria: Invitae Variant Classification Sherloc (09022015). Collection method: clinical testing. Allele origin: germline. Not counted in ClinVar's aggregate classification.

Literature cited by the submitters: PubMed 30459323 (cited by ClinGen PAH Variant Curation Expert Panel).